The following is an entry in ClinVar:

NM_001048174.2(MUTYH):c.1239+4A>C

Gene: MUTYH (mutY DNA glycosylase; minus strand). Cytogenetic location: 1p34.1.
Variant type: single nucleotide variant.
Coding change: c.1239+4A>C on transcript NM_001048174.2 (MANE Select); 4 bases into the intron after coding-DNA position 1239, A replaced by C.
Molecular consequence: intron variant.
Genome position (GRCh38, 1-based): chr1:45,331,416, T>G on the plus strand (A>C on the coding strand, the complement: MUTYH is on the minus strand). VCF-style: chr1-45331416-T-G. GRCh37 (hg19) VCF-style: chr1-45797088-T-G.
Other names: c.894+4A>C (NM_001350651.2, NM_001350650.2); c.963+4A>C (NM_001293192.2, NM_001293196.2); c.1239+4A>C (NM_001048171.2, NM_001048173.2, NM_001293195.2); c.1284+4A>C (NM_001293190.2); c.1314+4A>C (NM_012222.3); c.1323+4A>C (NM_001128425.2); c.1242+4A>C (NM_001048172.2); c.1272+4A>C (NM_001293191.2).
Identifiers: ClinVar variation 390391 (VCV000390391.2), dbSNP rs774494767, ClinGen allele CA16603702.

ClinVar aggregate classification (germline): Conflicting classifications of pathogenicity. Review status: criteria provided, conflicting classifications (1 of 4 stars). 2 submissions from 2 submitters: Uncertain significance (1); Likely benign (1). Last evaluated 2025-10-28.

Conditions:
Familial adenomatous polyposis 2. Also called: ADENOMAS, MULTIPLE COLORECTAL, AUTOSOMAL RECESSIVE; MYH-associated polyposis; Adenomas, multiple colorectal; MUTYH Polyposis; COLORECTAL ADENOMATOUS POLYPOSIS, AUTOSOMAL RECESSIVE; FAP type 2. Identifiers: Orphanet 220460, Orphanet 247798, MedGen C3272841, MONDO:0012041, OMIM 608456.

Submissions (2):

Labcorp Genetics (formerly Invitae), Labcorp
Classification: Uncertain significance for Familial adenomatous polyposis 2. Last evaluated: 2025-10-28. Review status: criteria provided, single submitter. Criteria: Invitae Variant Classification Sherloc (09022015). Collection method: clinical testing. Allele origin: germline.
Comment: This sequence change falls in intron 13 of the MUTYH gene. It does not directly change the encoded amino acid sequence of the MUTYH protein. It affects a nucleotide within the consensus splice site. This variant is not present in population databases (gnomAD no frequency). This variant has not been reported in the literature in individuals affected with MUTYH-related conditions. ClinVar contains an entry for this variant (Variation ID: 390391). Variants that disrupt the consensus splice site are a relatively common cause of aberrant splicing (PMID: 17576681, 9536098). Algorithms developed to predict the effect of sequence changes on RNA splicing suggest that this variant is not likely to affect RNA splicing. In summary, the available evidence is currently insufficient to determine the role of this variant in disease. Therefore, it has been classified as a Variant of Uncertain Significance.

GeneDx
Classification: Likely benign. Last evaluated: 2016-10-25. Review status: criteria provided, single submitter. Criteria: GeneDx Variant Classification (06012015). Collection method: clinical testing. Allele origin: germline. Affected: yes.
Comment: This variant is considered likely benign or benign based on one or more of the following criteria: it is a conservative change, it occurs at a poorly conserved position in the protein, it is predicted to be benign by multiple in silico algorithms, and/or has population frequency not consistent with disease.

Literature cited by the submitters: PubMed 17576681 (cited by Labcorp Genetics (formerly Invitae), Labcorp); PubMed 9536098 (cited by Labcorp Genetics (formerly Invitae), Labcorp).